The following is an entry in ClinVar:

NM_000053.4(ATP7B):c.62del (p.Lys21fs)

Gene: ATP7B (ATPase copper transporting beta; minus strand). Cytogenetic location: 13q14.3.
Variant type: Deletion.
Coding change: c.62del on transcript NM_000053.4 (MANE Select); coding-DNA position 62, one base deleted (A; older notation c.62delA).
Protein change: p.Lys21fs; shifts the reading frame from lysine 21.
Molecular consequence: frameshift variant. On other transcripts: 5 prime UTR variant (7).
Genome position (GRCh38, 1-based): chr13:51,975,158, T deleted on the plus strand (A on the coding strand, the reverse complement: ATP7B is on the minus strand); the first of 2 consecutive T bases (chr13:51,975,158-51,975,159); deleting either gives the same sequence. VCF-style (leftmost placement, unchanged base first): chr13-51975157-CT-C. GRCh37 (hg19) VCF-style: chr13-52549293-CT-C.
Other names: c.62del, p.Lys21fs (NM_001005918.3, NM_001243182.2, NM_001330578.2 and 30 more transcripts); c.-35del (NM_001406517.1, NM_001406518.1, NM_001406530.1 and 4 more transcripts); short protein forms K21fs.
Identifiers: ClinVar variation 3074106 (VCV003074106.1), dbSNP rs2547826484, ClinGen allele CA2825002197.

ClinVar aggregate classification (germline): Likely pathogenic (1 of 4 stars; one submission).

Conditions:
Wilson disease (WND). Also called: Wilson's disease. Identifiers: Orphanet 905, MedGen C0019202, MONDO:0010200, OMIM 277900. Disease mechanism: loss of function.

Submission:

All of Us Research Program, National Institutes of Health
Classification: Likely pathogenic for Wilson disease. Last evaluated: 2023-12-01. Review status: criteria provided, single submitter. Criteria: ACMG Guidelines, 2015. Collection method: clinical testing. Allele origin: germline. Inheritance: Autosomal recessive inheritance. Observed: 1 variant allele, 1 heterozygote.
Comment: This study involves interpretation of variants in research participants for the purpose of population health screening. Participant phenotype was not available at the time of variant classification. Additional details can be found in publication PMID: 35346344, PMCID: PMC8962531